The following is an entry in ClinVar:

NC_000009.12:g.35658024_35658038dup

Gene: RMRP (RNA component of mitochondrial RNA processing endoribonuclease; minus strand). Cytogenetic location: 9p13.3.
Variant type: Duplication.
Genome position: GRCh38 VCF-style: chr9-35658023-C-CCTCAGCTTCACAGAG. GRCh37 (hg19) VCF-style: chr9-35658020-C-CCTCAGCTTCACAGAG.
Identifiers: ClinVar variation 1723424 (VCV001723424.3), dbSNP rs2490603549, ClinGen allele CA2580080473.

ClinVar aggregate classification (germline): Pathogenic/Likely pathogenic. Review status: criteria provided, multiple submitters, no conflicts (2 of 4 stars). 2 submissions from 2 submitters: Pathogenic (1); Likely pathogenic (1). Last evaluated 2025-09-30.

Conditions:
Anauxetic dysplasia. Identifiers: Orphanet 93347, MedGen C1846796, MONDO:0011773.
Metaphyseal chondrodysplasia, McKusick type (CHH). Also called: Cartilage-Hair Hypoplasia (CHH); Cartilage-hair hypoplasia. Identifiers: Orphanet 175, MedGen C0220748, MONDO:0009595, OMIM 250250.

Allele frequency attached by ClinVar (database versions not stated): gnomAD exomes below 0.00001.

Submissions (2):

Labcorp Genetics (formerly Invitae), Labcorp
Classification: Pathogenic for Anauxetic dysplasia. Last evaluated: 2025-09-30. Review status: criteria provided, single submitter. Criteria: Invitae Variant Classification Sherloc (09022015). Collection method: clinical testing. Allele origin: germline.
Comment: This variant occurs in the RMRP gene, which encodes an RNA molecule that does not result in a protein product. This variant is not present in population databases (gnomAD no frequency). While this particular variant has not been reported in the literature, it is located in the promoter region between the TATA box and the transcription initiation site, and other insertions and duplications immediately upstream of the coding sequence have been reported in individuals affected with cartilage-hair hypoplasia-anauxetic dysplasia (CHH-AD) spectrum disorders (PMID: 16244706, 11207361, 12107819). While functional studies for this variant have not been reported, experimental analyses using patient derived cells, as well as in vitro transfection studies, have shown that promoter insertions result in silencing of RMRP transcription and reduced expression of the gene product (PMID: 11207361, 16254002). For these reasons, this variant has been classified as Pathogenic.

Women's Health and Genetics/Laboratory Corporation of America, LabCorp
Classification: Likely pathogenic for Metaphyseal chondrodysplasia, McKusick type. Last evaluated: 2022-10-28. Review status: criteria provided, single submitter. Criteria: LabCorp Variant Classification Summary - May 2015. Collection method: clinical testing. Allele origin: germline.
Comment: Variant summary: RMRP n.-20_-6dup15 is located in the promoter region of the RMRP gene which is located between the TATA box (at position -33 to -25) and the transcription initiation site (at +1). Other insertions or duplications in the promoter region of RMRP have been classified as pathogenic (internally and in ClinVar). The variant was absent in 127922 control chromosomes (gnomAD). To our knowledge, no occurrence of n.-20_-6dup15 in individuals affected with Cartilage-Hair Hypoplasia and no experimental evidence demonstrating its impact on protein function have been reported. Many other insertions or duplications in the promoter region of RMRP have been reported in affected individuals in the literature (e.g. PMIDs: 21956908, 21396580) and have been demonstrated through functional studies to lead to reduced RMRP transcription (e.g. PMIDs: 11207361, 16254002). No clinical diagnostic laboratories have submitted clinical-significance assessments for this variant to ClinVar after 2014. Based on the evidence outlined above, the variant was classified as likely pathogenic.

Literature cited by the submitters: PubMed 16244706 (cited by Labcorp Genetics (formerly Invitae), Labcorp); PubMed 11207361 (cited by Labcorp Genetics (formerly Invitae), Labcorp); PubMed 12107819 (cited by Labcorp Genetics (formerly Invitae), Labcorp); PubMed 16254002 (cited by Labcorp Genetics (formerly Invitae), Labcorp).